The following is an entry in ClinVar:

ClinVar aggregate classification (germline): Benign (1 of 4 stars; one submission).

Allele frequency attached by ClinVar (database versions not stated): 1000 Genomes Project 0.17232; 1000 Genomes Project 30x 0.17676; gnomAD 0.18245 and 0.18723; TOPMed 0.19812.
gnomAD v4.1: 27,679 of 152,062 alleles (18%); highest among the groups gnomAD compares: Admixed American, 28%; 2,834 homozygotes.

Submission:

GeneDx
Classification: Benign. Last evaluated: 2018-06-14. Review status: criteria provided, single submitter. Criteria: GeneDx Variant Classification (06012015). Collection method: clinical testing. Allele origin: germline. Affected: yes.
Comment: This variant is considered likely benign or benign based on one or more of the following criteria: it is a conservative change, it occurs at a poorly conserved position in the protein, it is predicted to be benign by multiple in silico algorithms, and/or has population frequency not consistent with disease.

NM_000112.4(SLC26A2):c.-25-228G>A

Gene: SLC26A2 (solute carrier family 26 member 2; plus strand). Cytogenetic location: 5q32.
Variant type: single nucleotide variant.
Coding change: c.-25-228G>A on transcript NM_000112.4 (MANE Select); 228 bases into the intron before 25 bases upstream of the start codon, G replaced by A.
Molecular consequence: intron variant.
Genome position (GRCh38, 1-based): chr5:149,977,400, G>A. VCF-style: chr5-149977400-G-A. GRCh37 (hg19) VCF-style: chr5-149356963-G-A.
Identifiers: ClinVar variation 671455 (VCV000671455.1), dbSNP rs3812007, ClinGen allele CA15389929.
Genomic context (GRCh38, chr5:149,977,400, plus strand): 5'-AGGGGGAGCCAGGCATATATGGAGAAGAATCCTTAATGGTTTATACTCTTGGGAAGTCCT[G>A]TACCCAGCCAGTTATTTGCTTTGACTTGGCTGTTTAAGGTCTGGTTCTGGTCTTTTTTTT-3'